The following is an entry in ClinVar:

NM_001195263.2(PDZD7):c.790G>A (p.Val264Ile)

Gene: PDZD7 (PDZ domain containing 7; minus strand). Cytogenetic location: 10q24.31.
Variant type: single nucleotide variant.
Coding change: c.790G>A on transcript NM_001195263.2 (MANE Select); coding-DNA position 790, G replaced by A.
Protein change: p.Val264Ile; replaces valine 264 with isoleucine.
Molecular consequence: missense variant.
Genome position (GRCh38, 1-based): chr10:101,021,875, C>T on the plus strand (G>A on the coding strand, the complement: PDZD7 is on the minus strand). VCF-style: chr10-101021875-C-T. GRCh37 (hg19) VCF-style: chr10-102781632-C-T.
Other names: c.790G>A, p.Val264Ile (NM_001351044.2, NM_024895.5); short protein forms V264I.
Identifiers: ClinVar variation 1462445 (VCV001462445.6), dbSNP rs1249336656, ClinGen allele CA378229753.

ClinVar aggregate classification (germline): Uncertain significance (1 of 4 stars; one submission).

gnomAD v4.1: 1 of 1,614,208 alleles (0.000062%); highest among the groups gnomAD compares: Non-Finnish European, 0.000085%; no homozygotes.

Submission:

Labcorp Genetics (formerly Invitae), Labcorp
Classification: Uncertain significance. Last evaluated: 2024-01-19. Review status: criteria provided, single submitter. Criteria: Invitae Variant Classification Sherloc (09022015). Collection method: clinical testing. Allele origin: germline.
Comment: This sequence change replaces valine, which is neutral and non-polar, with isoleucine, which is neutral and non-polar, at codon 264 of the PDZD7 protein (p.Val264Ile). This variant is not present in population databases (gnomAD no frequency). This variant has not been reported in the literature in individuals affected with PDZD7-related conditions. ClinVar contains an entry for this variant (Variation ID: 1462445). Advanced modeling of protein sequence and biophysical properties (such as structural, functional, and spatial information, amino acid conservation, physicochemical variation, residue mobility, and thermodynamic stability) performed at Invitae indicates that this missense variant is not expected to disrupt PDZD7 protein function with a negative predictive value of 80%. In summary, the available evidence is currently insufficient to determine the role of this variant in disease. Therefore, it has been classified as a Variant of Uncertain Significance.